The following is an entry in ClinVar:

ClinVar aggregate classification (germline): Uncertain significance (1 of 4 stars; one submission).

Conditions:
Pitt-Hopkins syndrome (PTHS). Also called: ENCEPHALOPATHY, SEVERE EPILEPTIC, WITH AUTONOMIC DYSFUNCTION; MENTAL RETARDATION, SYNDROMAL, WITH INTERMITTENT HYPERVENTILATION. Identifiers: Orphanet 2896, MedGen C1970431, MONDO:0012589, OMIM 610954.

Submission:

Labcorp Genetics (formerly Invitae), Labcorp
Classification: Uncertain significance for Pitt-Hopkins syndrome. Last evaluated: 2022-12-18. Review status: criteria provided, single submitter. Criteria: Invitae Variant Classification Sherloc (09022015). Collection method: clinical testing. Allele origin: germline.
Comment: This variant is not present in population databases (gnomAD no frequency). This sequence change replaces glycine, which is neutral and non-polar, with aspartic acid, which is acidic and polar, at codon 120 of the TCF4 protein (p.Gly120Asp). This variant has not been reported in the literature in individuals affected with TCF4-related conditions. Advanced modeling of protein sequence and biophysical properties (such as structural, functional, and spatial information, amino acid conservation, physicochemical variation, residue mobility, and thermodynamic stability) performed at Invitae indicates that this missense variant is not expected to disrupt TCF4 protein function. In summary, the available evidence is currently insufficient to determine the role of this variant in disease. Therefore, it has been classified as a Variant of Uncertain Significance.

NM_001083962.2(TCF4):c.359G>A (p.Gly120Asp)

Gene: TCF4 (transcription factor 4; minus strand). Cytogenetic location: 18q21.2.
Variant type: single nucleotide variant.
Coding change: c.359G>A on transcript NM_001083962.2 (MANE Select); coding-DNA position 359, G replaced by A.
Protein change: p.Gly120Asp; replaces glycine 120 with aspartic acid.
Molecular consequence: missense variant. On other transcripts: 5 prime UTR variant (3).
Genome position (GRCh38, 1-based): chr18:55,403,464, C>T on the plus strand (G>A on the coding strand, the complement: TCF4 is on the minus strand). VCF-style: chr18-55403464-C-T. GRCh37 (hg19) VCF-style: chr18-53070695-C-T.
Other names: c.665G>A, p.Gly222Asp (NM_001243226.3); c.287G>A, p.Gly96Asp (NM_001243227.2, NM_001306207.1, NM_001348217.1 and 15 more transcripts); c.359G>A, p.Gly120Asp (NM_001243228.2, NM_001330604.3, NM_001369567.1 and 8 more transcripts); c.353G>A, p.Gly118Asp (NM_001243230.2); c.233G>A, p.Gly78Asp (NM_001243231.2, NM_001348211.2); c.149G>A, p.Gly50Asp (NM_001243232.1, NM_001306208.1); c.-32G>A (NM_001243233.2, NM_001348213.2); c.-29G>A (NM_001348212.2); short protein forms G118D, G120D, G50D, G96D, G222D, G78D.
Identifiers: ClinVar variation 2819320 (VCV002819320.3), dbSNP rs2512224925, ClinGen allele CA402702816.
Genomic context (GRCh38, chr18:55,403,464, plus strand): 5'-TTTACCAGGTTAATCCTCTCAACCCTTCCGCAACAGAGATTCTCACTTACCTGGTGGCAA[C>T]CCTGTAAGTTTGATTCTCTCCCATAAGATGAGTATGAGCCCCTTTCTGTTTTACCTGCCA-3'
Protein context (NP_001077431.1, residues 110-130): SSYGRESNLQ[Gly120Asp]CHQQSLLGGD